The following is an entry in ClinVar:

NM_004628.5(XPC):c.736C>T (p.Pro246Ser)

Gene: XPC (XPC complex subunit, DNA damage recognition and repair factor; minus strand). Cytogenetic location: 3p25.1.
Variant type: single nucleotide variant.
Coding change: c.736C>T on transcript NM_004628.5 (MANE Select); coding-DNA position 736, C replaced by T.
Protein change: p.Pro246Ser; replaces proline 246 with serine.
Molecular consequence: missense variant. On other transcripts: non-coding transcript variant (2).
Genome position (GRCh38, 1-based): chr3:14,165,471, G>A on the plus strand (C>T on the coding strand, the complement: XPC is on the minus strand). VCF-style: chr3-14165471-G-A. GRCh37 (hg19) VCF-style: chr3-14206971-G-A.
Other names: c.157C>T, p.Pro53Ser (NM_001354726.2); c.736C>T, p.Pro246Ser (NM_001354727.2, NM_001354730.2); c.718C>T, p.Pro240Ser (NM_001354729.2); short protein forms P246S, P53S, P240S.
Identifiers: ClinVar variation 135480 (VCV000135480.2), dbSNP rs587778761, ClinGen allele CA162898.

ClinVar aggregate classification (germline): Uncertain significance. Review status: no assertion criteria provided (0 of 4 stars). 2 submissions from 2 submitters: Uncertain significance (1). 1 of the submissions does not count toward it. Last evaluated 2017-11-02.

Conditions:
Xeroderma pigmentosum, group C (XPC). Also called: XPC-Related Xeroderma Pigmentosum; Xeroderma pigmentosum, complementation group C; XERODERMA PIGMENTOSUM III; XP, GROUP C. Identifiers: Orphanet 910, MedGen C2752147, MONDO:0010211, OMIM 278720.

Allele frequency attached by ClinVar (database versions not stated): gnomAD exomes 0.00001; ExAC 0.00002; gnomAD 0.00003 and 0.00004; TOPMed 0.00005.
gnomAD v4.1: 12 of 1,604,056 alleles (0.00075%); highest among the groups gnomAD compares: African/African-American, 0.013%; no homozygotes.

Submissions (2):

Counsyl
Classification: Uncertain significance for Xeroderma pigmentosum, group C. Last evaluated: 2017-11-02. Review status: no assertion criteria provided. Collection method: clinical testing. Allele origin: unknown.

ITMI
No classification provided. Condition: AllHighlyPenetrant. Last evaluated: 2013-09-19. Review status: no classification provided. Collection method: reference population. Allele origin: germline. Not counted in ClinVar's aggregate classification.
Comment: Please see associated publication for description of ethnicities

Literature cited by the submitters: PubMed 24728327 (cited by ITMI).